The following is an entry in ClinVar:

ClinVar aggregate classification (germline): Benign. Review status: criteria provided, multiple submitters, no conflicts (2 of 4 stars). 3 submissions from 3 submitters: Benign (2). 1 of the submissions does not count toward it. Last evaluated 2026-01-19.

Conditions:
MBTPS1-related disorder. Also called: MBTPS1-related condition.

Allele frequency attached by ClinVar (database versions not stated): gnomAD exomes 0.00146; ExAC 0.00175; gnomAD 0.00597 and 0.00639; 1000 Genomes Project 0.00599; 1000 Genomes Project 30x 0.00640; TOPMed 0.00667; ESP Exome Variant Server 0.00692.
gnomAD v4.1: 1,712 of 1,613,664 alleles (0.11%); highest among the groups gnomAD compares: African/African-American, 2.1%; 19 homozygotes.

Submissions (3):

Labcorp Genetics (formerly Invitae), Labcorp
Classification: Benign. Last evaluated: 2026-01-19. Review status: criteria provided, single submitter. Criteria: Invitae Variant Classification Sherloc (09022015). Collection method: clinical testing. Allele origin: germline.

Breakthrough Genomics
Classification: Benign. Review status: criteria provided, single submitter. Criteria: ACMG Guidelines, 2015. Collection method: not provided. Allele origin: germline. Inheritance: Autosomal recessive inheritance. Affected: yes.

PreventionGenetics, part of Exact Sciences
Classification: Benign for MBTPS1-related condition. Last evaluated: 2019-07-30. Review status: no assertion criteria provided. Collection method: clinical testing. Allele origin: germline. Not counted in ClinVar's aggregate classification.
Comment: This variant is classified as benign based on ACMG/AMP sequence variant interpretation guidelines (Richards et al. 2015 PMID: 25741868, with internal and published modifications).

NM_003791.4(MBTPS1):c.433G>A (p.Val145Ile)

Gene: MBTPS1 (membrane bound transcription factor peptidase, site 1; minus strand). Cytogenetic location: 16q23.3.
Variant type: single nucleotide variant.
Coding change: c.433G>A on transcript NM_003791.4 (MANE Select); coding-DNA position 433, G replaced by A.
Protein change: p.Val145Ile; replaces valine 145 with isoleucine.
Molecular consequence: missense variant.
Genome position (GRCh38, 1-based): chr16:84,095,794, C>T on the plus strand (G>A on the coding strand, the complement: MBTPS1 is on the minus strand). VCF-style: chr16-84095794-C-T. GRCh37 (hg19) VCF-style: chr16-84129399-C-T.
Other names: short protein forms V145I.
Identifiers: ClinVar variation 714714 (VCV000714714.13), dbSNP rs138737600, ClinGen allele CA8201752.